The following is an entry in ClinVar:

ClinVar aggregate classification (germline): Likely benign (1 of 4 stars; one submission).

gnomAD v4.1: 1 of 1,614,092 alleles (0.000062%); highest among the groups gnomAD compares: Non-Finnish European, 0.000085%; no homozygotes.

Submission:

CeGaT Center for Human Genetics Tuebingen
Classification: Likely benign. Last evaluated: 2023-01-01. Review status: criteria provided, single submitter. Criteria: CeGaT Center For Human Genetics Tuebingen Variant Classification Criteria Version 2. Collection method: clinical testing. Allele origin: germline. Affected: yes. Observed: 1 variant allele.
Comment: DNAH2: PM2:Supporting, BP4, BP7

NM_020877.5(DNAH2):c.6588C>A (p.Ile2196=)

Gene: DNAH2 (dynein axonemal heavy chain 2; plus strand). Cytogenetic location: 17p13.1.
Variant type: single nucleotide variant.
Coding change: c.6588C>A on transcript NM_020877.5 (MANE Select); coding-DNA position 6588, C replaced by A.
Protein change: p.Ile2196=; no amino-acid change (isoleucine 2196 retained).
Molecular consequence: synonymous variant.
Genome position (GRCh38, 1-based): chr17:7,787,018, C>A. VCF-style: chr17-7787018-C-A. GRCh37 (hg19) VCF-style: chr17-7690336-C-A.
Identifiers: ClinVar variation 2647377 (VCV002647377.24), dbSNP rs754746688, ClinGen allele CA497735375.
Genomic context (GRCh38, chr17:7,787,018, plus strand): 5'-GAACATGAACTCCGTCATGGACGATAACAAGGTGTTGACCCTCATCAACGGCGAGCGCAT[C>A]GCGATGCCCGAGCAGGTCAGGGACGCGGCTGACTCCTGGAGGCCTGCAGAGGCAGGCACC-3'
Protein context (NP_065928.2, residues 2186-2206): KVLTLINGER[Ile2196=]AMPEQVSLLF